The following is an entry in ClinVar:

NM_001018115.3(FANCD2):c.1068T>G (p.Tyr356Ter)

Genes: FANCD2 (FA complementation group D2; plus strand), LOC107303338 (3p25 FANCD2 Alu-mediated recombination region; plus strand). Cytogenetic location: 3p25.3.
Variant type: single nucleotide variant.
Coding change: c.1068T>G on transcript NM_001018115.3 (MANE Select); coding-DNA position 1068, T replaced by G.
Protein change: p.Tyr356Ter; replaces tyrosine 356 with a stop codon.
Molecular consequence: nonsense.
Genome position (GRCh38, 1-based): chr3:10,043,562, T>G. VCF-style: chr3-10043562-T-G. GRCh37 (hg19) VCF-style: chr3-10085246-T-G.
Other names: c.1068T>G, p.Tyr356Ter (NM_001319984.2, NM_001374253.1, NM_001374254.1 and 1 more transcripts); short protein forms Y356*.
Identifiers: ClinVar variation 4852242 (VCV004852242.1).

ClinVar aggregate classification (germline): Likely pathogenic (1 of 4 stars; one submission).

Conditions:
Fanconi anemia complementation group D2. Also called: FANCD2-Related Fanconi Anemia; FANCONI PANCYTOPENIA, TYPE 4; FANCONI ANEMIA, COMPLEMENTATION GROUP D. Identifiers: Orphanet 84, MedGen C3160738, MONDO:0009214, OMIM 227646.

Submission:

Variantyx, Inc.
Classification: Likely pathogenic for Fanconi anemia complementation group D2. Last evaluated: 2025-08-04. Review status: criteria provided, single submitter. Criteria: Variantyx Assertion Criteria 2022. Collection method: clinical testing. Allele origin: germline. Inheritance: Autosomal recessive inheritance. Affected: no.
Comment: This is a nonsense variant in the FANCD2 gene (OMIM: 613984). Pathogenic variants in this gene have been associated with autosomal recessive Fanconi anemia of complementation group D2. the alteration introduces a premature termination codon in exon 13 out of 44 and is expected to result in loss of function, which is a known disease mechanism for FANCD2 in this disorder (PMID: 17436244, 11239453) (PVS1). This variant is absent from control populations (PM2), and it has not been reported in individuals with FANCD2-related disorders in the databases available for review. Based on the current evidence, this variant is classified as likely pathogenic for autosomal recessive Fanconi anemia of complementation group D2.

Literature cited by the submitters: PubMed 17436244; PubMed 11239453.